The following is an entry in ClinVar:

ClinVar aggregate classification (germline): Uncertain significance. Review status: criteria provided, multiple submitters, no conflicts (2 of 4 stars). 4 submissions from 4 submitters: Uncertain significance (4). Last evaluated 2025-09-19.

Conditions:
Hereditary cancer-predisposing syndrome. Also called: Neoplastic Syndromes, Hereditary; Hereditary Cancer Syndrome; Tumor predisposition; Hereditary neoplastic syndrome. Identifiers: Orphanet 140162, MedGen C0027672, MeSH D009386, MONDO:0015356.
Familial adenomatous polyposis 2. Also called: MUTYH-associated polyposis; MUTYH Polyposis; FAP type 2; Adenomas, multiple colorectal; COLORECTAL ADENOMATOUS POLYPOSIS, AUTOSOMAL RECESSIVE; ADENOMAS, MULTIPLE COLORECTAL, AUTOSOMAL RECESSIVE. Identifiers: Orphanet 220460, Orphanet 247798, MedGen C3272841, MONDO:0012041, OMIM 608456.

Allele frequency attached by ClinVar (database versions not stated): gnomAD exomes below 0.00001.
gnomAD v4.1: 1 of 1,614,188 alleles (0.000062%); no homozygotes.

Submissions (4):

Labcorp Genetics (formerly Invitae), Labcorp
Classification: Uncertain significance for Familial adenomatous polyposis 2. Last evaluated: 2025-09-19. Review status: criteria provided, single submitter. Criteria: Invitae Variant Classification Sherloc (09022015). Collection method: clinical testing. Allele origin: germline.
Comment: This sequence change replaces serine, which is neutral and polar, with proline, which is neutral and non-polar, at codon 372 of the MUTYH protein (p.Ser372Pro). This variant is not present in population databases (gnomAD no frequency). This variant has not been reported in the literature in individuals affected with MUTYH-related conditions. ClinVar contains an entry for this variant (Variation ID: 142136). An algorithm developed to predict the effect of missense changes on protein structure and function (PolyPhen-2) suggests that this variant is likely to be tolerated. In summary, the available evidence is currently insufficient to determine the role of this variant in disease. Therefore, it has been classified as a Variant of Uncertain Significance.

Ambry Genetics
Classification: Uncertain significance for Hereditary cancer-predisposing syndrome. Last evaluated: 2024-05-28. Review status: criteria provided, single submitter. Criteria: Ambry Variant Classification Scheme 2023. Collection method: clinical testing. Allele origin: germline.
Comment: The p.S372P variant (also known as c.1114T>C), located in coding exon 12 of the MUTYH gene, results from a T to C substitution at nucleotide position 1114. The serine at codon 372 is replaced by proline, an amino acid with similar properties. This amino acid position is not well conserved in available vertebrate species. In addition, the in silico prediction for this alteration is inconclusive. Based on the available evidence, the clinical significance of this variant remains unclear.

Color Diagnostics, LLC DBA Color Health
Classification: Uncertain significance for Hereditary cancer-predisposing syndrome. Last evaluated: 2024-03-06. Review status: criteria provided, single submitter. Criteria: ACMG Guidelines, 2015. Collection method: clinical testing. Allele origin: germline.
Comment: This missense variant replaces serine with proline at codon 372 of the MUTYH protein. Computational prediction suggests that this variant may not impact protein structure and function (internally defined REVEL score threshold <= 0.5, PMID: 27666373). To our knowledge, functional studies have not been reported for this variant. This variant has not been reported in individuals affected with MUTYH-related disorders in the literature. This variant has not been identified in the general population by the Genome Aggregation Database (gnomAD). The available evidence is insufficient to determine the role of this variant in disease conclusively. Therefore, this variant is classified as a Variant of Uncertain Significance.

Sema4
Classification: Uncertain significance for Hereditary cancer-predisposing syndrome. Last evaluated: 2022-03-14. Review status: criteria provided, single submitter. Criteria: Sema4 Curation Guidelines. Collection method: curation. Allele origin: germline.
Comment: The MUTYH c.1114T>C (p.S372P) variant has not been reported in the literature to our knowledge. It was not observed in the large and broad cohorts of the Genome Aggregation Database (PMID: 32461654). This variant has been reported in ClinVar (Variation ID 142136). Functional studies have not been performed, and in silico predictions of the variant's effect on protein function are inconclusive. The evidence is insufficient to meet ACMG/AMP criteria for classifying the variant as benign or pathogenic. Thus, the clinical significance of this variant is currently uncertain.

NM_001048174.2(MUTYH):c.1030T>C (p.Ser344Pro)

Gene: MUTYH (mutY DNA glycosylase; minus strand). Cytogenetic location: 1p34.1.
Variant type: single nucleotide variant.
Coding change: c.1030T>C on transcript NM_001048174.2 (MANE Select); coding-DNA position 1030, T replaced by C.
Protein change: p.Ser344Pro; replaces serine 344 with proline.
Molecular consequence: missense variant. On other transcripts: non-coding transcript variant (2).
Genome position (GRCh38, 1-based): chr1:45,331,733, A>G on the plus strand (T>C on the coding strand, the complement: MUTYH is on the minus strand). VCF-style: chr1-45331733-A-G. GRCh37 (hg19) VCF-style: chr1-45797405-A-G.
Other names: c.1030T>C, p.Ser344Pro (NM_001048171.2, NM_001048173.2, NM_001293195.2); c.1033T>C, p.Ser345Pro (NM_001048172.2); c.1114T>C, p.Ser372Pro (NM_001128425.2); c.1075T>C, p.Ser359Pro (NM_001293190.2); c.1063T>C, p.Ser355Pro (NM_001293191.2); c.754T>C, p.Ser252Pro (NM_001293192.2, NM_001293196.2); c.685T>C, p.Ser229Pro (NM_001350650.2, NM_001350651.2); c.1105T>C, p.Ser369Pro (NM_012222.3); short protein forms S372P, S345P, S369P, S344P, S252P, S229P, S355P, S359P.
Identifiers: ClinVar variation 142136 (VCV000142136.16), dbSNP rs587782261, ClinGen allele CA012134.